The following is an entry in ClinVar:

NM_001401501.2(MUC16):c.5116C>T (p.Leu1706=)

Gene: MUC16 (mucin 16, cell surface associated; minus strand). Cytogenetic location: 19p13.2.
Variant type: single nucleotide variant.
Coding change: c.5116C>T on transcript NM_001401501.2 (MANE Select); coding-DNA position 5116, C replaced by T.
Protein change: p.Leu1706=; no amino-acid change (leucine 1706 retained).
Molecular consequence: synonymous variant.
Genome position (GRCh38, 1-based): chr19:8,976,143, G>A on the plus strand (C>T on the coding strand, the complement: MUC16 is on the minus strand). VCF-style: chr19-8976143-G-A. GRCh37 (hg19) VCF-style: chr19-9086819-G-A.
Other names: c.5542C>T, p.Leu1848= (NM_001414686.1); c.4996C>T, p.Leu1666= (NM_001414687.1, NM_024690.2).
Identifiers: ClinVar variation 3058850 (VCV003058850.2), dbSNP rs1823056, ClinGen allele CA9172710.

ClinVar aggregate classification (germline): Benign (0 of 4 stars; one submission).

Conditions:
MUC16-related disorder. Also called: MUC16-related condition.

Allele frequency attached by ClinVar (database versions not stated): ESP Exome Variant Server 0.14327; gnomAD 0.16342; TOPMed 0.16372; gnomAD exomes 0.18525; 1000 Genomes Project 30x 0.18691; 1000 Genomes Project 0.19010; ExAC 0.19560.

Submission:

PreventionGenetics, part of Exact Sciences
Classification: Benign for MUC16-related condition. Last evaluated: 2019-10-18. Review status: no assertion criteria provided. Collection method: clinical testing. Allele origin: germline.
Comment: This variant is classified as benign based on ACMG/AMP sequence variant interpretation guidelines (Richards et al. 2015 PMID: 25741868, with internal and published modifications).